The following is an entry in ClinVar:

ClinVar aggregate classification (germline): Likely benign. Review status: criteria provided, single submitter (1 of 4 stars). 2 submissions from 2 submitters: Likely benign (1). 1 of the submissions does not count toward it. Last evaluated 2025-04-01.

Conditions:
SLC44A1-related disorder. Also called: SLC44A1-related condition.

Allele frequency attached by ClinVar (database versions not stated): ESP Exome Variant Server 0.00008; TOPMed 0.00011; gnomAD 0.00038; gnomAD exomes 0.00074; ExAC 0.00132; 1000 Genomes Project 30x 0.00312; 1000 Genomes Project 0.00319.
gnomAD v4.1: 1,139 of 1,613,678 alleles (0.071%); highest among the groups gnomAD compares: South Asian, 0.91%; 12 homozygotes.

Submissions (2):

CeGaT Center for Human Genetics Tuebingen
Classification: Likely benign. Last evaluated: 2025-04-01. Review status: criteria provided, single submitter. Criteria: CeGaT Center For Human Genetics Tuebingen Variant Classification Criteria Version 2. Collection method: clinical testing. Allele origin: germline. Affected: yes. Observed: 1 variant allele.
Comment: SLC44A1: BP4, BP7

PreventionGenetics, part of Exact Sciences
Classification: Benign for SLC44A1-related condition. Last evaluated: 2019-05-21. Review status: no assertion criteria provided. Collection method: clinical testing. Allele origin: germline. Not counted in ClinVar's aggregate classification.
Comment: This variant is classified as benign based on ACMG/AMP sequence variant interpretation guidelines (Richards et al. 2015 PMID: 25741868, with internal and published modifications).

NM_080546.5(SLC44A1):c.966C>T (p.His322=)

Gene: SLC44A1 (solute carrier family 44 member 1; plus strand). Cytogenetic location: 9q31.1.
Variant type: single nucleotide variant.
Coding change: c.966C>T on transcript NM_080546.5 (MANE Select); coding-DNA position 966, C replaced by T.
Protein change: p.His322=; no amino-acid change (histidine 322 retained).
Molecular consequence: synonymous variant.
Genome position (GRCh38, 1-based): chr9:105,362,886, C>T. VCF-style: chr9-105362886-C-T. GRCh37 (hg19) VCF-style: chr9-108125167-C-T.
Other names: c.966C>T, p.His322= (NM_001286730.2, NM_001330731.2).
Identifiers: ClinVar variation 3039675 (VCV003039675.9), dbSNP rs143807755, ClinGen allele CA5169826.
Genomic context (GRCh38, chr9:105,362,886, plus strand): 5'-CTTATTCCTGATAATGTTGGTTATGCGCAAACGTGTTGCTCTTACCATCGCCTTGTTCCA[C>T]GTAGCTGGCAAGGTCTTCATTCACTTGCCACTGCTAGTCTTCCAACCCTTCTGGACTTTC-3'
Protein context (NP_536856.2, residues 312-332): KRVALTIALF[His322=]VAGKVFIHLP